The following is an entry in ClinVar:

NM_001267550.2(TTN):c.103434C>A (p.Asp34478Glu)

Genes: TTN (titin; minus strand), TTN-AS1 (TTN antisense RNA 1; plus strand). Cytogenetic location: 2q31.2.
Variant type: single nucleotide variant.
Coding change: c.103434C>A on transcript NM_001267550.2 (MANE Select); coding-DNA position 103434, C replaced by A.
Protein change: p.Asp34478Glu; replaces aspartic acid 34478 with glutamic acid.
Molecular consequence: missense variant.
Genome position (GRCh38, 1-based): chr2:178,533,181, G>T on the plus strand (C>A on the coding strand, the complement: TTN is on the minus strand). VCF-style: chr2-178533181-G-T. GRCh37 (hg19) VCF-style: chr2-179397908-G-T.
Other names: c.95730C>A, p.Asp31910Glu (NM_133378.4); c.103434C>A (NM_001267550.1); c.98511C>A, p.Asp32837Glu (NM_001256850.1); c.76239C>A, p.Asp25413Glu (NM_003319.4); c.76614C>A, p.Asp25538Glu (NM_133432.3); c.76815C>A, p.Asp25605Glu (NM_133437.4); short protein forms D31910E, D34478E, D25413E, D32837E, D25538E, D25605E.
Identifiers: ClinVar variation 229565 (VCV000229565.15), dbSNP rs376371272, ClinGen allele CA1985604.

ClinVar aggregate classification (germline): Conflicting classifications of pathogenicity. Review status: criteria provided, conflicting classifications (1 of 4 stars). 8 submissions from 8 submitters: Uncertain significance (6); Likely benign (2). Last evaluated 2026-09-21.

Conditions:
TTN-related disorder. Also called: TTN-related disorders; TTN-related condition; TTN-related disease.
Autosomal recessive limb-girdle muscular dystrophy type 2J (LGMDR10). Also called: Limb-girdle muscular dystrophy, type 2J; MUSCULAR DYSTROPHY, LIMB-GIRDLE, AUTOSOMAL RECESSIVE 10. Identifiers: Orphanet 140922, MedGen C1837342, MONDO:0012127, OMIM 608807.
Dilated cardiomyopathy 1G (CMD1G). Identifiers: Orphanet 154, MedGen C1858763, MONDO:0011400, OMIM 604145.
Cardiovascular phenotype. Identifiers: MedGen CN230736.

Allele frequency attached by ClinVar (database versions not stated): gnomAD exomes 0.00001 and 0.00004; TOPMed 0.00017; 1000 Genomes Project 0.00020; 1000 Genomes Project 30x 0.00016; ESP Exome Variant Server 0.00008; gnomAD 0.00012 and 0.00014; ExAC 0.00007.
gnomAD v4.1: 29 of 1,613,924 alleles (0.0018%); highest among the groups gnomAD compares: African/African-American, 0.036%; no homozygotes.

Submissions (8):

Molecular Diagnostic Laboratory for Inherited Cardiovascular Disease, Montreal Heart Institute
Classification: Likely benign. Last evaluated: 2026-09-21. Review status: criteria provided, single submitter. Criteria: ACMG Guidelines, 2015. Collection method: clinical testing. Allele origin: germline. Affected: no.

PreventionGenetics, part of Exact Sciences
Classification: Uncertain significance for TTN-related condition. Last evaluated: 2026-06-29. Review status: criteria provided, single submitter. Criteria: ACMG Guidelines, 2015. Collection method: clinical testing. Allele origin: germline.
Comment: The TTN c.103434C>A variant is predicted to result in the amino acid substitution p.Asp34478Glu. This variant has been reported in individuals with dilated, hypertrophic, or noncompaction cardiomyopathy (described as p.Asp31910Glu in supplementary file 2, van Lint et al. 2019. PubMed ID: 30847666; Table S7, Mazzarotto et al. 2020. PubMed ID: 31983221). This variant is reported in 0.041% of alleles in individuals of African descent in gnomAD. At this time, the clinical significance of this variant is uncertain due to the absence of conclusive functional and genetic evidence.

Revvity Omics, Revvity
Classification: Uncertain significance. Last evaluated: 2022-03-11. Review status: criteria provided, single submitter. Criteria: ACMG Guidelines, 2015. Collection method: clinical testing. Allele origin: germline.

AiLife Diagnostics
Classification: Uncertain significance. Last evaluated: 2021-04-26. Review status: criteria provided, single submitter. Criteria: ACMG Guidelines, 2015. Collection method: clinical testing. Allele origin: germline. Affected: yes. Observed: 1 variant allele.

Ambry Genetics
Classification: Uncertain significance for Cardiovascular phenotype. Last evaluated: 2019-10-08. Review status: criteria provided, single submitter. Criteria: Ambry Variant Classification Scheme 2023. Collection method: clinical testing. Allele origin: germline.
Comment: The p.D25413E variant (also known as c.76239C>A), located in coding exon 185 of the TTN gene, results from a C to A substitution at nucleotide position 76239. The aspartic acid at codon 25413 is replaced by glutamic acid, an amino acid with highly similar properties. This amino acid position is well conserved in available vertebrate species; however, glutamic acid is the reference amino acid in other vertebrate species. In addition, this alteration is predicted to be tolerated by in silico analysis. Since supporting evidence is limited at this time, the clinical significance of this alteration remains unclear.

GeneDx
Classification: Likely benign. Last evaluated: 2019-03-22. Review status: criteria provided, single submitter. Criteria: GeneDx Variant Classification Process June 2021. Collection method: clinical testing. Allele origin: germline. Affected: yes.
Comment: See Variant Classification Assertion Criteria.

Labcorp Genetics (formerly Invitae), Labcorp
Classification: Uncertain significance for Dilated cardiomyopathy 1G; Autosomal recessive limb-girdle muscular dystrophy type 2J. Last evaluated: 2017-03-27. Review status: criteria provided, single submitter. Criteria: Invitae Variant Classification Sherloc (09022015). Collection method: clinical testing. Allele origin: germline.

Laboratory for Molecular Medicine, Mass General Brigham Personalized Medicine
Classification: Uncertain significance. Last evaluated: 2015-08-21. Review status: criteria provided, single submitter. Criteria: LMM Criteria. Collection method: clinical testing. Allele origin: germline. Observed: 1 variant allele.
Comment: Variant classified as Uncertain Significance - Favor Benign. The p.Asp31910Glu v ariant in TTN has not been previously reported in individuals with cardiomyopath y, but has been identified in 8/9790 African chromosomes by the Exome Aggregatio n Consortium (ExAC; dbSNP rs376371272). Aspartic acid (Asp) at position 31910 is not conserved in mammals or evolutionarily dist ant species, of note naked mole rat and multiple fish species carried a glutamic acid (Glu) at this position, raising the possibility that this change may be to lerated. Additional computational prediction tools suggest that the p.Asp31910Gl u variant may not impact the protein, though this information is not predictive enough to rule out pathogenicity. In summary, while the clinical significance of the p.Asp31910Glu variant is uncertain, these data suggest that it is more like ly to be benign.

Literature cited by the submitters: PubMed 30847666 (cited by AiLife Diagnostics).